The following is an entry in ClinVar:

ClinVar aggregate classification (germline): Pathogenic (1 of 4 stars; one submission).

Submission:

Labcorp Genetics (formerly Invitae), Labcorp
Classification: Pathogenic. Last evaluated: 2023-08-17. Review status: criteria provided, single submitter. Criteria: Invitae Variant Classification Sherloc (09022015). Collection method: clinical testing. Allele origin: germline.
Comment: For these reasons, this variant has been classified as Pathogenic. ClinVar contains an entry for this variant (Variation ID: 1360374). This variant has not been reported in the literature in individuals affected with COL11A1-related conditions. This variant is present in population databases (rs745956910, gnomAD 0.003%). This sequence change creates a premature translational stop signal (p.Pro732Leufs*34) in the COL11A1 gene. It is expected to result in an absent or disrupted protein product. Loss-of-function variants in COL11A1 are known to be pathogenic (PMID: 20513134, 21035103, 23922384, 25240749, 32427345, 32756486).

Literature cited by the submitters: PubMed 20513134; PubMed 21035103; PubMed 23922384; PubMed 25240749; PubMed 32427345; PubMed 32756486.

NM_001854.4(COL11A1):c.2193_2194dup (p.Pro732fs)

Gene: COL11A1 (collagen type XI alpha 1 chain; minus strand). Cytogenetic location: 1p21.1.
Variant type: Duplication.
Coding change: c.2193_2194dup on transcript NM_001854.4 (MANE Select); coding-DNA positions 2193 to 2194, 2 bases duplicated (TC; older notation c.2193_2194dupTC).
Protein change: p.Pro732fs; shifts the reading frame from proline 732.
Molecular consequence: frameshift variant. On other transcripts: non-coding transcript variant (1).
Genome position (GRCh38, 1-based): chr1:102,998,312-102,998,313, GA duplicated on the plus strand (TC on the coding strand, the reverse complement: COL11A1 is on the minus strand); duplicating any 2 consecutive bases within chr1:102,998,312-102,998,314 gives the same sequence; the c. name uses the placement nearest the transcript's 3' end. VCF-style (leftmost placement, unchanged base first): chr1-102998311-G-GGA. GRCh37 (hg19) VCF-style: chr1-103463867-G-GGA.
Other names: c.2076_2077dup, p.Pro693fs (NM_001190709.2); c.2229_2230dup, p.Pro744fs (NM_080629.3); c.1845_1846dup, p.Pro616fs (NM_080630.4); short protein forms P693fs, P732fs, P744fs, P616fs.
Identifiers: ClinVar variation 1360374 (VCV001360374.6), dbSNP rs745956910, ClinGen allele CA974563.